The following is an entry in ClinVar:

ClinVar aggregate classification (germline): Likely pathogenic. Review status: reviewed by expert panel (3 of 4 stars). 5 submissions from 5 submitters: Likely pathogenic (1). 4 of the submissions do not count toward it. Last evaluated 2022-10-10.

Conditions:
Mitochondrial disease. Also called: Mitochondrial disorder; Mitochondrial disorders. Identifiers: Orphanet 68380, MedGen C0751651, MeSH D028361, MONDO:0044970.
Primary Mitochondrial Disorders. Identifiers: MedGen CN381104.
MELAS syndrome (MELAS). Also called: Juvenile myopathy, encephalopathy, lactic acidosis, stroke. Identifiers: Orphanet 550, MedGen C0162671, MONDO:0010789, OMIM 540000.

Submissions (5):

ClinGen Mitochondrial Disease Nuclear and Mitochondrial  Variant Curation Expert Panel, ClinGen
Classification: Likely pathogenic for Mitochondrial disease. Last evaluated: 2022-10-10. Review status: reviewed by expert panel. Criteria: McCormick et al. (Hum Mutat. 2020). Collection method: curation. Allele origin: germline. Inheritance: Mitochondrial inheritance.
Comment: The m.3243A>T variant in MT-TL1 has been reported in eight unrelated probands with primary mitochondrial disease. Features in affected individuals include mitochondrial encephalomyopathy, lactic acidosis, and stroke-like episodes (MELAS) and chronic progressive external ophthalmoplegia (CPEO), as well as myoclonic epilepsy, exercise intolerance with rhabdomyolysis, cataracts, sensorineural hearing loss, diabetes, peripheral neuropathy, and ataxia (PMIDs: 9168904, 18203188, 20471262, 23220830, 30210801, 33924034, 25504047; PS4_moderate). In all individuals, the variant was present at heteroplasmy, ranging from 69-99% in muscle and 13-50% in blood. Age of onset varied from six to 29 years old. There are no large families reported in the medical literature to consider for evidence of segregation. There are no de novo occurrences of this variant reported to our knowledge. The m.3243A>T variant is absent in the GenBank dataset and gnomAD3.1.2. There is one heteroplasmic occurrence in 195,893 sequences in the Helix database, however the overall frequency is still low (PM2_supporting). The computational predictor MitoTIP suggests this variant is pathogenic, scoring in the 58.8 percentile, and HmtVAR also predicts it to be pathogenic with a score of 0.8 (PP3). The m.3243A>T variant is at the same nucleotide position as a previously established pathogenic variant (m. 3243A>G; PM5_supporting). Several different functional studies have been performed on this variant that support its pathogenicity and show independent deleterious effects of the variant, including generation of cybrids, single fiber testing, and aminoacylation assays (PS3_moderate). Cybrids with high levels of this variant, when compared to wild type, showed lower oxygen consumption, higher glucose consumption and lactate production, increased motility and migration capacities associated with specific glycosylation patterns, lower growth rate, and altered cellular processes (PMIDs: 25504047, 32273537). Single fiber testing showed higher levels of the variant in COX-deficient fibers (95.8 ± 0.7%, n=9) than in COX-positive fibers (44.3 ± 8.8%, n=9; p < 0.001; PMID: 20471262). Structural and aminoacylation studies of in-vitro transcribed human tRNALeu(UUR) showed that the m.3243A>T variant was associated with a 300-fold loss of aminoacylation efficiency (PMID: 12729737). In summary, this variant meets criteria to be classified as likely pathogenic for primary mitochondrial disease inherited in a mitochondrial manner. We note that one expert on this panel felt pathogenic was a more appropriate classification given the functional evidence of impact however the majority agreed with likely pathogenic. This classification was approved by the NICHD/NINDS U24 ClinGen Mitochondrial Disease Variant Curation Expert Panel on October 10, 2022. Mitochondrial DNA-specific ACMG/AMP criteria applied (PMID: 32906214): PS4_moderate, PM2_supporting, PP3, PM5_supporting, PS3_moderate.

Variantyx, Inc.
Classification: Likely pathogenic for primary mitochondrial disorders. Last evaluated: 2025-11-18. Review status: criteria provided, single submitter. Criteria: Variantyx Assertion Criteria 2022. Collection method: clinical testing. Allele origin: germline. Inheritance: Mitochondrial inheritance. Not counted in ClinVar's aggregate classification.
Comment: The m.3243A>G change is a variant in the MT-TL1 gene which encodes the mitochondrial transfer RNA for leucine. Pathogenic variants in this gene have been associated with primary mitochondrial disorders. This variant has been reported in many unrelated affected individuals (PMID: 17823937, 38465286, 38397113, 26988355) (PS4_Very_Strong). An alternate nucleotide substitution at this position been classified as pathogenic by expert panel (m.3243A>T) (PS1) and computational algorithms support a deleterious effect on the gene or gene product (Aggregate Predicted Severity Score: 0.83) (PP3). This variant is absent from control populations (PM2). Other reputable laboratories have reported this variant as pathogenic or likely pathogenic (PP5). Based on the current evidence, this variant is classified as pathogenic for primary mitochondrial disorders. This variant (rs199474657) is also one of the most common pathogenic variants in the mitochondrial genome, disrupting the mitochondrial leucine tRNA (UUR) D-loop domain, leading to a reduction of oxidative phosphorylation activity. The clinical presentation associated with the m.3243A>G variant is highly variable and depends on the total percentage of abnormal mitochondria and their tissue-specific distribution. The variant was initially identified in patients with mitochondrial myopathy, encephalopathy, lactic acidosis, and stroke-like episodes (MELAS) syndrome (PMID: 2102678; 20301411). Epidemiological studies found that the most frequent presentation is maternally inherited diabetes and deafness (PMID: 24375076; 24011700; 23355809). Additionally, this variant has been less commonly found in individuals with Leigh syndrome (PMID: 20301352). Higher levels of this variant, between 50–90% heteroplasmy, have been associated with MELAS syndrome, and lower heteroplasmy levels have been associated with autism and diabetes.

Molecular Genetics Laboratory, BC Children's and BC Women's Hospitals
Classification: Likely pathogenic for Mitochondrial disease. Last evaluated: 2025-10-21. Review status: criteria provided, single submitter. Criteria: ACMG Guidelines, 2015. Collection method: clinical testing. Allele origin: de novo. Affected: yes. Not counted in ClinVar's aggregate classification.

Mendelics
Classification: Pathogenic for MELAS syndrome. Last evaluated: 2022-05-04. Review status: criteria provided, single submitter. Criteria: Mendelics Assertion Criteria 2019. Collection method: clinical testing. Allele origin: germline. Not counted in ClinVar's aggregate classification.

Wong Mito Lab, Molecular and Human Genetics, Baylor College of Medicine
Classification: Pathogenic for MELAS syndrome. Last evaluated: 2019-07-12. Review status: criteria provided, single submitter. Criteria: Modified ACMG Guidelines (Unpublished). Collection method: clinical testing. Allele origin: germline. Not counted in ClinVar's aggregate classification.
Comment: The NC_012920.1:m.3243A>T variant in MT-TL1 gene is interpreted to be a Pathogenic variant based on the modified ACMG guidelines (unpublished). This variant meets the following evidence codes reported in the guidelines: PS3, PS5, PM5, PP3

Literature cited by the submitters: PubMed 12729737 (cited by ClinGen Mitochondrial Disease Nuclear and Mitochondrial  Variant Curation Expert Panel, ClinGen); PubMed 32273537 (cited by ClinGen Mitochondrial Disease Nuclear and Mitochondrial  Variant Curation Expert Panel, ClinGen); PubMed 20471262 (cited by ClinGen Mitochondrial Disease Nuclear and Mitochondrial  Variant Curation Expert Panel, ClinGen and Wong Mito Lab, Molecular and Human Genetics, Baylor College of Medicine); PubMed 17823937 (cited by Variantyx, Inc.); PubMed 38465286 (cited by Variantyx, Inc.); PubMed 38397113 (cited by Variantyx, Inc.); PubMed 26988355 (cited by Variantyx, Inc.); PubMed 2102678 (cited by Variantyx, Inc.); PubMed 20301411 (cited by Variantyx, Inc.); PubMed 20301352 (cited by Variantyx, Inc.); PubMed 24011700 (cited by Variantyx, Inc.); PubMed 23355809 (cited by Variantyx, Inc.); PubMed 31965079 (cited by Wong Mito Lab, Molecular and Human Genetics, Baylor College of Medicine); PubMed 9168904 (cited by Wong Mito Lab, Molecular and Human Genetics, Baylor College of Medicine); PubMed 18203188 (cited by Wong Mito Lab, Molecular and Human Genetics, Baylor College of Medicine).

NC_012920.1(MT-TL1):m.3243A>T

Gene: MT-TL1 (mitochondrially encoded tRNA leucine 1 (UUA/G); plus strand).
Variant type: single nucleotide variant.
Genome position: chrM-3243-A-T.
Identifiers: ClinVar variation 689856 (VCV000689856.6), dbSNP rs199474657, ClinGen allele CA913168968.